The following is an entry in ClinVar:

ClinVar aggregate classification (germline): Uncertain significance. Review status: criteria provided, multiple submitters, no conflicts (2 of 4 stars). 2 submissions from 2 submitters: Uncertain significance (2). Last evaluated 2024-09-10.

Conditions:
Neurodevelopmental disorder with or without hyperkinetic movements and seizures, autosomal dominant. Also called: Intellectual disability, autosomal dominant 8. Identifiers: MedGen C3280282, MONDO:0013655, OMIM 614254.

gnomAD v4.1: 1 of 1,612,624 alleles (0.000062%); highest among the groups gnomAD compares: Admixed American, 0.0017%; no homozygotes.

Submissions (2):

Labcorp Genetics (formerly Invitae), Labcorp
Classification: Uncertain significance for Neurodevelopmental disorder with or without hyperkinetic movements and seizures, autosomal dominant. Last evaluated: 2024-09-10. Review status: criteria provided, single submitter. Criteria: Invitae Variant Classification Sherloc (09022015). Collection method: clinical testing. Allele origin: germline.
Comment: This sequence change replaces glutamine, which is neutral and polar, with histidine, which is basic and polar, at codon 453 of the GRIN1 protein (p.Gln453His). This variant is present in population databases (no rsID available, gnomAD 0.003%). This variant has not been reported in the literature in individuals affected with GRIN1-related conditions. ClinVar contains an entry for this variant (Variation ID: 849166). Invitae Evidence Modeling of protein sequence and biophysical properties (such as structural, functional, and spatial information, amino acid conservation, physicochemical variation, residue mobility, and thermodynamic stability) has been performed for this missense variant. However, the output from this modeling did not meet the statistical confidence thresholds required to predict the impact of this variant on GRIN1 protein function. In summary, the available evidence is currently insufficient to determine the role of this variant in disease. Therefore, it has been classified as a Variant of Uncertain Significance.

GeneDx
Classification: Uncertain significance. Last evaluated: 2023-03-28. Review status: criteria provided, single submitter. Criteria: GeneDx Variant Classification Process June 2021. Collection method: clinical testing. Allele origin: germline. Affected: yes.
Comment: Not observed at significant frequency in large population cohorts (gnomAD); In silico analysis supports that this missense variant does not alter protein structure/function; In silico analysis is inconclusive as to whether the variant alters gene splicing. In the absence of RNA/functional studies, the actual effect of this sequence change is unknown.; Has not been previously published as pathogenic or benign to our knowledge

NM_007327.4(GRIN1):c.1359G>C (p.Gln453His)

Gene: GRIN1 (glutamate ionotropic receptor NMDA type subunit 1; plus strand). Cytogenetic location: 9q34.3.
Variant type: single nucleotide variant.
Coding change: c.1359G>C on transcript NM_007327.4 (MANE Select); coding-DNA position 1359, G replaced by C.
Protein change: p.Gln453His; replaces glutamine 453 with histidine.
Molecular consequence: missense variant.
Genome position (GRCh38, 1-based): chr9:137,161,308, G>C. VCF-style: chr9-137161308-G-C. GRCh37 (hg19) VCF-style: chr9-140055760-G-C.
Other names: c.1359G>C, p.Gln453His (NM_000832.7, NM_021569.4); c.1422G>C, p.Gln474His (NM_001185090.2, NM_001185091.2); short protein forms Q453H, Q474H.
Identifiers: ClinVar variation 849166 (VCV000849166.11), dbSNP rs1374644440, ClinGen allele CA375716451.